The following is an entry in ClinVar:

ClinVar aggregate classification (germline): Uncertain significance. Review status: criteria provided, single submitter (1 of 4 stars). 2 submissions from 2 submitters: Uncertain significance (1). 1 of the submissions does not count toward it. Last evaluated 2022-05-07.

Conditions:
Autosomal dominant retinitis pigmentosa. Identifiers: MedGen C0339525.

Allele frequency attached by ClinVar (database versions not stated): ExAC 0.00001; gnomAD 0.00001; TOPMed 0.00001.
gnomAD v4.1: 19 of 1,614,122 alleles (0.0012%); highest among the groups gnomAD compares: Middle Eastern, 0.033%; no homozygotes.

Submissions (2):

Labcorp Genetics (formerly Invitae), Labcorp
Classification: Uncertain significance. Last evaluated: 2022-05-07. Review status: criteria provided, single submitter. Criteria: Invitae Variant Classification Sherloc (09022015). Collection method: clinical testing. Allele origin: germline.
Comment: This sequence change replaces asparagine, which is neutral and polar, with serine, which is neutral and polar, at codon 2103 of the SNRNP200 protein (p.Asn2103Ser). This variant is present in population databases (rs780795928, gnomAD 0.002%). In summary, the available evidence is currently insufficient to determine the role of this variant in disease. Therefore, it has been classified as a Variant of Uncertain Significance. Algorithms developed to predict the effect of sequence changes on RNA splicing suggest that this variant may create or strengthen a splice site. Algorithms developed to predict the effect of missense changes on protein structure and function (SIFT, PolyPhen-2, Align-GVGD) all suggest that this variant is likely to be tolerated. ClinVar contains an entry for this variant (Variation ID: 978975). This missense change has been observed in individual(s) with retinitis pigmentosa and cone rod dystrophy (PMID: 26355662).

Faculty of Health Sciences, Beirut Arab University
Classification: Pathogenic for Autosomal dominant Retinitis Pigmentosa. Last evaluated: 2015-09-10. Review status: no assertion criteria provided. Collection method: literature only. Allele origin: germline. Affected: yes. Observed: 1 variant allele. Not counted in ClinVar's aggregate classification.

Literature cited by the submitters: PubMed 26355662 (cited by Labcorp Genetics (formerly Invitae), Labcorp and Faculty of Health Sciences, Beirut Arab University).

NM_014014.5(SNRNP200):c.6308A>G (p.Asn2103Ser)

Gene: SNRNP200 (small nuclear ribonucleoprotein U5 subunit 200; minus strand). Cytogenetic location: 2q11.2.
Variant type: single nucleotide variant.
Coding change: c.6308A>G on transcript NM_014014.5 (MANE Select); coding-DNA position 6308, A replaced by G.
Protein change: p.Asn2103Ser; replaces asparagine 2103 with serine.
Molecular consequence: missense variant.
Genome position (GRCh38, 1-based): chr2:96,275,115, T>C on the plus strand (A>G on the coding strand, the complement: SNRNP200 is on the minus strand). VCF-style: chr2-96275115-T-C. GRCh37 (hg19) VCF-style: chr2-96940853-T-C.
Other names: short protein forms N2103S.
Identifiers: ClinVar variation 978975 (VCV000978975.9), dbSNP rs780795928, ClinGen allele CA1777727.